The following is an entry in ClinVar:

ClinVar aggregate classification (germline): Uncertain significance (1 of 4 stars; one submission).

gnomAD v4.1: 5 of 1,612,720 alleles (0.00031%); highest among the groups gnomAD compares: Non-Finnish European, 0.00034%; no homozygotes.

Submission:

Ambry Genetics
Classification: Uncertain significance. Last evaluated: 2025-01-05. Review status: criteria provided, single submitter. Criteria: Ambry Variant Classification Scheme 2023. Collection method: clinical testing. Allele origin: germline.
Comment: The p.V2067I variant (also known as c.6199G>A), located in coding exon 25 of the WNK2 gene, results from a G to A substitution at nucleotide position 6199. The valine at codon 2067 is replaced by isoleucine, an amino acid with highly similar properties. This amino acid position is conserved. In addition, the in silico prediction for this alteration is inconclusive. Based on the available evidence, the clinical significance of this variant remains unclear.

NM_006648.4(WNK2):c.6199G>A (p.Val2067Ile)

Gene: WNK2 (WNK lysine deficient protein kinase 2; plus strand). Cytogenetic location: 9q22.31.
Variant type: single nucleotide variant.
Coding change: c.6199G>A on transcript NM_006648.4 (MANE Select); coding-DNA position 6199, G replaced by A.
Protein change: p.Val2067Ile; replaces valine 2067 with isoleucine.
Molecular consequence: missense variant.
Genome position (GRCh38, 1-based): chr9:93,300,134, G>A. VCF-style: chr9-93300134-G-A. GRCh37 (hg19) VCF-style: chr9-96062416-G-A.
Other names: c.6310G>A, p.Val2104Ile (NM_001282394.3); short protein forms V2104I, V2067I.
Identifiers: ClinVar variation 3816728 (VCV003816728.1).
Genomic context (GRCh38, chr9:93,300,134, plus strand): 5'-TCTGAGAGAGTGACCTATAAGTCTAGTAGCAAACCTCGTGCTCGATTCCTCAGTGGACCC[G>A]TATCTGTGTCCATCTGTCTGTATTTGTTCTTTTGTATTTTATCACCTCCTGGCCCTTGGT-3'
Protein context (NP_006639.3, residues 2057-2077): KPRARFLSGP[Val2067Ile]SVSIWSALKR